The following is an entry in ClinVar:

ClinVar aggregate classification (germline): Uncertain significance. Review status: criteria provided, multiple submitters, no conflicts (2 of 4 stars). 4 submissions from 4 submitters: Uncertain significance (4). Last evaluated 2025-09-22.

Conditions:
Hyperphosphatasia with intellectual disability syndrome 5 (GPIBD11). Also called: GLYCOSYLPHOSPHATIDYLINOSITOL BIOSYNTHESIS DEFECT 11. Identifiers: Orphanet 247262, MedGen C4014958, MONDO:0014457, OMIM 616025.
Inborn genetic diseases. Identifiers: MedGen C0950123, MeSH D030342.

Allele frequency attached by ClinVar (database versions not stated): TOPMed 0.00001; gnomAD 0.00001; gnomAD exomes 0.00001; ExAC 0.00001.
gnomAD v4.1: 9 of 1,614,086 alleles (0.00056%); highest among the groups gnomAD compares: Non-Finnish European, 0.00076%; no homozygotes.

Submissions (4):

Ambry Genetics
Classification: Uncertain significance for Inborn genetic diseases. Last evaluated: 2025-09-22. Review status: criteria provided, single submitter. Criteria: Ambry Variant Classification Scheme 2023. Collection method: clinical testing. Allele origin: germline.

Clinical Genomics Laboratory, Washington University in St. Louis
Classification: Uncertain significance for Hyperphosphatasia with intellectual disability syndrome 5. Last evaluated: 2025-07-09. Review status: criteria provided, single submitter. Criteria: ACMG Guidelines, 2015. Collection method: clinical testing. Allele origin: germline.
Comment: The PIGW c.431T>G (p.Ile144Ser) variant, to our knowledge, has not been reported in the medical literature. This variant is only observed in 1/31,398 alleles in the general population (gnomAD v2.1.1), indicating it is not a common variant. Computational predictors indicate that the variant is damaging, evidence that correlates with impact to PIGW function. This variant has been reported in the ClinVar database as a germline variant of uncertain significance by one submitter. Due to limited information, and based on ACMG/AMP guidelines for variant interpretation (Richards S et al., PMID: 25741868), the clinical significance of this variant is uncertain at this time.The PIGW c.646C>T (p.Arg216*) variant, to our knowledge, has not been reported in the medical literature. This variant is only observed in 12/251,264 alleles in the general population (gnomAD v2.1.1), indicating it is not a common variant. This variant causes a premature termination codon; however, because this occurs in the last exon, this is not predicted to lead to nonsense mediated decay. This variant has been reported in the ClinVar database as a germline likely pathogenic by three submitters and a variant of uncertain significance by two submitters. Based on available information and the ACMG/AMP guidelines for variant interpretation (Richards S et al., PMID: 25741868), this variant is classified as likely pathogenic.

GeneDx
Classification: Uncertain significance. Last evaluated: 2025-02-18. Review status: criteria provided, single submitter. Criteria: GeneDx Variant Classification Process June 2021. Collection method: clinical testing. Allele origin: germline. Affected: yes.
Comment: Not observed at significant frequency in large population cohorts (gnomAD); In silico analysis supports that this missense variant has a deleterious effect on protein structure/function; Has not been previously published as pathogenic or benign to our knowledge

Labcorp Genetics (formerly Invitae), Labcorp
Classification: Uncertain significance for Hyperphosphatasia with intellectual disability syndrome 5. Last evaluated: 2022-08-05. Review status: criteria provided, single submitter. Criteria: Invitae Variant Classification Sherloc (09022015). Collection method: clinical testing. Allele origin: germline.
Comment: This sequence change replaces isoleucine, which is neutral and non-polar, with serine, which is neutral and polar, at codon 144 of the PIGW protein (p.Ile144Ser). This variant is present in population databases (rs754061279, gnomAD 0.002%). This variant has not been reported in the literature in individuals affected with PIGW-related conditions. ClinVar contains an entry for this variant (Variation ID: 580147). Algorithms developed to predict the effect of missense changes on protein structure and function (SIFT, PolyPhen-2, Align-GVGD) all suggest that this variant is likely to be disruptive. Algorithms developed to predict the effect of sequence changes on RNA splicing suggest that this variant may create or strengthen a splice site. In summary, the available evidence is currently insufficient to determine the role of this variant in disease. Therefore, it has been classified as a Variant of Uncertain Significance.

NM_001346754.2(PIGW):c.431T>G (p.Ile144Ser)

Genes: MYO19 (myosin XIX; minus strand), PIGW (phosphatidylinositol glycan anchor biosynthesis class W; plus strand). Cytogenetic location: 17q12.
Variant type: single nucleotide variant.
Coding change: c.431T>G on transcript NM_001346754.2 (MANE Select); coding-DNA position 431, T replaced by G.
Protein change: p.Ile144Ser; replaces isoleucine 144 with serine.
Molecular consequence: missense variant.
Genome position (GRCh38, 1-based): chr17:36,537,532, T>G. VCF-style: chr17-36537532-T-G. GRCh37 (hg19) VCF-style: chr17-34893381-T-G.
Other names: c.431T>G, p.Ile144Ser (NM_001346755.2, NM_178517.5); short protein forms I144S.
Identifiers: ClinVar variation 580147 (VCV000580147.7), dbSNP rs754061279, ClinGen allele CA290115928.